The following is an entry in ClinVar:

ClinVar aggregate classification (germline): Uncertain significance (1 of 4 stars; one submission).

Conditions:
Pityriasis rubra pilaris (PRP). Also called: Pityriasis rubra pilaris--familial type. Identifiers: Orphanet 2897, MedGen C0032027, MONDO:0100017, OMIM 173200, MONDO:0008251.
Psoriasis 2. Identifiers: MedGen C1864497, MONDO:0011269, OMIM 602723.

gnomAD v4.1: 5 of 1,582,278 alleles (0.00032%); highest among the groups gnomAD compares: Non-Finnish European, 0.00034%; no homozygotes.

Submission:

Labcorp Genetics (formerly Invitae), Labcorp
Classification: Uncertain significance for Pityriasis rubra pilaris; Psoriasis 2. Last evaluated: 2025-01-13. Review status: criteria provided, single submitter. Criteria: Invitae Variant Classification Sherloc (09022015). Collection method: clinical testing. Allele origin: germline.
Comment: This sequence change replaces alanine, which is neutral and non-polar, with proline, which is neutral and non-polar, at codon 10 of the CARD14 protein (p.Ala10Pro). This variant is not present in population databases (gnomAD no frequency). This variant has not been reported in the literature in individuals affected with CARD14-related conditions. Invitae Evidence Modeling of protein sequence and biophysical properties (such as structural, functional, and spatial information, amino acid conservation, physicochemical variation, residue mobility, and thermodynamic stability) indicates that this missense variant is not expected to disrupt CARD14 protein function with a negative predictive value of 95%. In summary, the available evidence is currently insufficient to determine the role of this variant in disease. Therefore, it has been classified as a Variant of Uncertain Significance.

NM_001366385.1(CARD14):c.28G>C (p.Ala10Pro)

Gene: CARD14 (caspase recruitment domain family member 14; plus strand). Cytogenetic location: 17q25.3.
Variant type: single nucleotide variant.
Coding change: c.28G>C on transcript NM_001366385.1 (MANE Select); coding-DNA position 28, G replaced by C.
Protein change: p.Ala10Pro; replaces alanine 10 with proline.
Molecular consequence: missense variant. On other transcripts: non-coding transcript variant (1).
Genome position (GRCh38, 1-based): chr17:80,181,466, G>C. VCF-style: chr17-80181466-G-C. GRCh37 (hg19) VCF-style: chr17-78155265-G-C.
Other names: c.28G>C, p.Ala10Pro (NM_001257970.1, NM_024110.4); short protein forms A10P.
Identifiers: ClinVar variation 3753276 (VCV003753276.2).
Genomic context (GRCh38, chr17:80,181,466, plus strand): 5'-CCACCCCTCCTAGGGTCCTCCCAGCGCCCAGCCATGGGGGAACTGTGCCGCAGGGACTCC[G>C]CACTCACGGCACTGGACGAGGAGACACTGTGGGAGATGATGGAGAGCCACCGCCACAGGA-3'
Protein context (NP_001353314.1, residues 1-20): MGELCRRDS[Ala10Pro]LTALDEETLW